The following is an entry in ClinVar:

ClinVar aggregate classification (germline): Likely pathogenic (1 of 4 stars; one submission).

Submission:

Labcorp Genetics (formerly Invitae), Labcorp
Classification: Likely pathogenic. Last evaluated: 2025-10-10. Review status: criteria provided, single submitter. Criteria: Invitae Variant Classification Sherloc (09022015). Collection method: clinical testing. Allele origin: germline.
Comment: This sequence change affects an acceptor splice site in intron 6 of the LZTR1 gene. It is expected to disrupt RNA splicing. Variants that disrupt the donor or acceptor splice site typically lead to a loss of protein function (PMID: 16199547), and loss-of-function variants in LZTR1 are known to be pathogenic (PMID: 24362817, 25335493, 25480913, 25795793, 29469822, 30368668, 30442762, 30442766, 30481304, 30859559). This variant is not present in population databases (gnomAD no frequency). This variant has not been reported in the literature in individuals affected with LZTR1-related conditions. Algorithms developed to predict the effect of sequence changes on RNA splicing suggest that this variant may disrupt the consensus splice site. In summary, the currently available evidence indicates that the variant is pathogenic, but additional data are needed to prove that conclusively. Therefore, this variant has been classified as Likely Pathogenic.

Literature cited by the submitters: PubMed 16199547; PubMed 24362817; PubMed 25335493; PubMed 25480913; PubMed 25795793; PubMed 29469822; PubMed 30368668; PubMed 30442762; PubMed 30442766; PubMed 30481304; PubMed 30859559.

NM_006767.4(LZTR1):c.594-2A>T

Gene: LZTR1 (leucine zipper like post translational regulator 1; plus strand). Cytogenetic location: 22q11.21.
Variant type: single nucleotide variant.
Coding change: c.594-2A>T on transcript NM_006767.4 (MANE Select); the canonical splice acceptor site of the intron before coding-DNA position 594, A replaced by T.
Molecular consequence: splice acceptor variant.
Genome position (GRCh38, 1-based): chr22:20,989,623, A>T. VCF-style: chr22-20989623-A-T. GRCh37 (hg19) VCF-style: chr22-21343912-A-T.
Identifiers: ClinVar variation 4728877 (VCV004728877.1).